The following is an entry in ClinVar:

NM_032217.5(ANKRD17):c.245C>T (p.Pro82Leu)

Gene: ANKRD17 (ankyrin repeat domain 17; minus strand). Cytogenetic location: 4q13.3.
Variant type: single nucleotide variant.
Coding change: c.245C>T on transcript NM_032217.5 (MANE Select); coding-DNA position 245, C replaced by T.
Protein change: p.Pro82Leu; replaces proline 82 with leucine.
Molecular consequence: missense variant.
Genome position (GRCh38, 1-based): chr4:73,258,424, G>A on the plus strand (C>T on the coding strand, the complement: ANKRD17 is on the minus strand). VCF-style: chr4-73258424-G-A. GRCh37 (hg19) VCF-style: chr4-74124141-G-A.
Other names: c.245C>T, p.Pro82Leu (NM_015574.2, NM_198889.3); short protein forms P82L.
Identifiers: ClinVar variation 2631978 (VCV002631978.2), dbSNP rs780679054, ClinGen allele CA2959201.

ClinVar aggregate classification (germline): Uncertain significance (0 of 4 stars; one submission).

Conditions:
ANKRD17-related disorder. Also called: ANKRD17-related condition.

Allele frequency attached by ClinVar (database versions not stated): ExAC 0.00001; gnomAD 0.00001; TOPMed 0.00001.
gnomAD v4.1: 2 of 1,610,430 alleles (0.00012%); highest among the groups gnomAD compares: Non-Finnish European, 0.00017%; no homozygotes.

Submission:

PreventionGenetics, part of Exact Sciences
Classification: Uncertain significance for ANKRD17-related condition. Last evaluated: 2024-06-11. Review status: no assertion criteria provided. Collection method: clinical testing. Allele origin: germline.
Comment: The ANKRD17 c.245C>T variant is predicted to result in the amino acid substitution p.Pro82Leu. To our knowledge, this variant has not been reported in the literature. This variant is reported in 0.00092% of alleles in individuals of European (Non-Finnish) descent in gnomAD. At this time, the clinical significance of this variant is uncertain due to the absence of conclusive functional and genetic evidence.